The following is an entry in ClinVar:

NM_002693.3(POLG):c.1024-24A>G

Gene: POLG (DNA polymerase gamma, catalytic subunit; minus strand). Cytogenetic location: 15q26.1.
Variant type: single nucleotide variant.
Coding change: c.1024-24A>G on transcript NM_002693.3 (MANE Select); 24 bases into the intron before coding-DNA position 1024, A replaced by G.
Molecular consequence: intron variant.
Genome position (GRCh38, 1-based): chr15:89,328,855, T>C on the plus strand (A>G on the coding strand, the complement: POLG is on the minus strand). VCF-style: chr15-89328855-T-C. GRCh37 (hg19) VCF-style: chr15-89872086-T-C.
Other names: c.1024-24A>G (NM_001126131.2).
Identifiers: ClinVar variation 619345 (VCV000619345.1), dbSNP rs1567192219, ClinGen allele CA10602303.

ClinVar aggregate classification (germline): Likely benign (1 of 4 stars; one submission).

Conditions:
Progressive sclerosing poliodystrophy (MTDPS4A). Also called: Alpers-Huttenlocher Syndrome (AHS); Alpers Syndrome; ALPERS PROGRESSIVE INFANTILE POLIODYSTROPHY; Mitochondrial DNA depletion syndrome 4A (Alpers type); ALPERS DIFFUSE DEGENERATION OF CEREBRAL GRAY MATTER WITH HEPATIC CIRRHOSIS; Alpers-Huttenlocher Syndrome. Identifiers: Orphanet 726, MedGen C0205710, MONDO:0008758, OMIM 203700.

Submission:

Wong Mito Lab, Molecular and Human Genetics, Baylor College of Medicine
Classification: Likely benign for Progressive sclerosing poliodystrophy. Last evaluated: 2018-10-01. Review status: criteria provided, single submitter. Criteria: ACMG Guidelines, 2015. Collection method: clinical testing. Allele origin: germline.
Comment: The NM_002693.2:c.1024-24A>G (NP_002684.1:p.=) [GRCH38: NC_000015.10:g.89328855T>C] variant in POLG gene is interpretated to be a Likely Benign based on ACMG guidelines (PMID: 25741868). This variant meets the following evidence codes reported in the ACMG-guideline. BP4:Computational evidence/predictors indicate no impact on the POLG structure, function, or protein-protein interaction. BP6:Reputable source(s) without shared data suggest the variant is benign. Based on the evidence criteria codes applied, the variant is suggested to be Likely Benign.